The following is an entry in ClinVar:

NM_002880.4(RAF1):c.958C>T (p.Pro320Ser)

Gene: RAF1 (Raf-1 proto-oncogene, serine/threonine kinase; minus strand). Cytogenetic location: 3p25.2.
Variant type: single nucleotide variant.
Coding change: c.958C>T on transcript NM_002880.4 (MANE Select); coding-DNA position 958, C replaced by T.
Protein change: p.Pro320Ser; replaces proline 320 with serine.
Molecular consequence: missense variant. On other transcripts: non-coding transcript variant (3).
Genome position (GRCh38, 1-based): chr3:12,600,184, G>A on the plus strand (C>T on the coding strand, the complement: RAF1 is on the minus strand). VCF-style: chr3-12600184-G-A. GRCh37 (hg19) VCF-style: chr3-12641683-G-A.
Other names: c.1018C>T, p.Pro340Ser (NM_001354689.3); c.958C>T, p.Pro320Ser (NM_001354690.3); c.715C>T, p.Pro239Ser (NM_001354691.3, NM_001354692.3); c.859C>T, p.Pro287Ser (NM_001354693.3); c.775C>T, p.Pro259Ser (NM_001354694.3); c.616C>T, p.Pro206Ser (NM_001354695.3); short protein forms P259S, P206S, P239S, P287S, P320S, P340S.
Identifiers: ClinVar variation 641740 (VCV000641740.10), dbSNP rs1406867543, ClinGen allele CA351508438.

ClinVar aggregate classification (germline): Uncertain significance (1 of 4 stars; one submission).

Conditions:
RASopathy. Also called: Noonan spectrum disorder; rasopathies. Identifiers: Orphanet 536391, MedGen C5555857, MONDO:0021060.

Allele frequency attached by ClinVar (database versions not stated): gnomAD exomes below 0.00001 and 0.00001; TOPMed 0.00001.
gnomAD v4.1: 4 of 1,614,142 alleles (0.00025%); highest among the groups gnomAD compares: Admixed American, 0.0017%; no homozygotes.

Submission:

Labcorp Genetics (formerly Invitae), Labcorp
Classification: Uncertain significance for RASopathy. Last evaluated: 2025-11-08. Review status: criteria provided, single submitter. Criteria: Invitae Variant Classification Sherloc (09022015). Collection method: clinical testing. Allele origin: germline.
Comment: This sequence change replaces proline, which is neutral and non-polar, with serine, which is neutral and polar, at codon 320 of the RAF1 protein (p.Pro320Ser). This variant is present in population databases (no rsID available, gnomAD 0.003%). This variant has not been reported in the literature in individuals affected with RAF1-related conditions. ClinVar contains an entry for this variant (Variation ID: 641740). Invitae Evidence Modeling of protein sequence and biophysical properties (such as structural, functional, and spatial information, amino acid conservation, physicochemical variation, residue mobility, and thermodynamic stability) indicates that this missense variant is not expected to disrupt RAF1 protein function with a negative predictive value of 95%. In summary, the available evidence is currently insufficient to determine the role of this variant in disease. Therefore, it has been classified as a Variant of Uncertain Significance.